The following is an entry in ClinVar:

NM_006282.5(STK4):c.1352T>C (p.Leu451Pro)

Gene: STK4 (serine/threonine kinase 4; plus strand). Cytogenetic location: 20q13.12.
Variant type: single nucleotide variant.
Coding change: c.1352T>C on transcript NM_006282.5 (MANE Select); coding-DNA position 1352, T replaced by C.
Protein change: p.Leu451Pro; replaces leucine 451 with proline.
Molecular consequence: missense variant. On other transcripts: 3 prime UTR variant (1).
Genome position (GRCh38, 1-based): chr20:45,075,064, T>C. VCF-style: chr20-45075064-T-C. GRCh37 (hg19) VCF-style: chr20-43703705-T-C.
Other names: c.*58T>C (NM_001352385.2); short protein forms L451P.
Identifiers: ClinVar variation 952186 (VCV000952186.8), dbSNP rs1980403811, ClinGen allele CA409129526.

ClinVar aggregate classification (germline): Uncertain significance (1 of 4 stars; one submission).

Conditions:
Combined immunodeficiency due to STK4 deficiency (IMD110). Also called: STK4 DEFICIENCY; MST1 DEFICIENCY; T-cell immunodeficiency, recurrent infections, and autoimmunity with or without cardiac malformations. Identifiers: Orphanet 314689, MedGen C3553943, MONDO:0013934, OMIM 614868.

Allele frequency attached by ClinVar (database versions not stated): gnomAD exomes below 0.00001.
gnomAD v4.1: 5 of 1,614,214 alleles (0.00031%); highest among the groups gnomAD compares: South Asian, 0.0011%; no homozygotes.

Submission:

Labcorp Genetics (formerly Invitae), Labcorp
Classification: Uncertain significance for Combined immunodeficiency due to STK4 deficiency. Last evaluated: 2022-12-06. Review status: criteria provided, single submitter. Criteria: Invitae Variant Classification Sherloc (09022015). Collection method: clinical testing. Allele origin: germline.
Comment: This sequence change replaces leucine, which is neutral and non-polar, with proline, which is neutral and non-polar, at codon 451 of the STK4 protein (p.Leu451Pro). This variant is not present in population databases (gnomAD no frequency). This variant has not been reported in the literature in individuals affected with STK4-related conditions. ClinVar contains an entry for this variant (Variation ID: 952186). In summary, the available evidence is currently insufficient to determine the role of this variant in disease. Therefore, it has been classified as a Variant of Uncertain Significance. Algorithms developed to predict the effect of missense changes on protein structure and function are either unavailable or do not agree on the potential impact of this missense change (SIFT: "Not Available"; PolyPhen-2: "Probably Damaging"; Align-GVGD: "Not Available").